The following is an entry in ClinVar:

ClinVar aggregate classification (germline): Uncertain significance (1 of 4 stars; one submission).

Submission:

GeneDx
Classification: Uncertain significance. Last evaluated: 2022-03-15. Review status: criteria provided, single submitter. Criteria: GeneDx Variant Classification Process June 2021. Collection method: clinical testing. Allele origin: germline. Affected: yes.
Comment: Not observed at significant frequency in large population cohorts (gnomAD); In silico analysis supports that this missense variant does not alter protein structure/function; Has not been previously published as pathogenic or benign to our knowledge

NM_001009944.3(PKD1):c.545C>A (p.Ala182Asp)

Gene: PKD1 (polycystin 1, transient receptor potential channel interacting; minus strand). Cytogenetic location: 16p13.3.
Variant type: single nucleotide variant.
Coding change: c.545C>A on transcript NM_001009944.3 (MANE Select); coding-DNA position 545, C replaced by A.
Protein change: p.Ala182Asp; replaces alanine 182 with aspartic acid.
Molecular consequence: missense variant.
Genome position (GRCh38, 1-based): chr16:2,118,447, G>T on the plus strand (C>A on the coding strand, the complement: PKD1 is on the minus strand). VCF-style: chr16-2118447-G-T. GRCh37 (hg19) VCF-style: chr16-2168448-G-T.
Other names: c.545C>A, p.Ala182Asp (NM_000296.4); short protein forms A182D.
Identifiers: ClinVar variation 1706382 (VCV001706382.2), dbSNP rs1381593674, ClinGen allele CA394395078.
Genomic context (GRCh38, chr16:2,118,447, plus strand): 5'-TCGTGGGCAGCTGAAAAGGACACTGCTGCCACGGTGCCTGAGCTGTTGTCAGGGAGGCAG[G>T]CGACATACTCCTCACCTAGAAGAGGCAGCCACTGGACCCCGGGTTCTGCTCCTCCTGGCT-3'
Protein context (NP_001009944.3, residues 172-192): LDSGCGEEYV[Ala182Asp]CLPDNSSGTV